The following is an entry in ClinVar:

ClinVar aggregate classification (germline): Uncertain significance (1 of 4 stars; one submission).

Allele frequency attached by ClinVar (database versions not stated): gnomAD exomes below 0.00001.
gnomAD v4.1: 2 of 1,606,898 alleles (0.00012%); highest among the groups gnomAD compares: South Asian, 0.0022%; no homozygotes.

Submission:

Labcorp Genetics (formerly Invitae), Labcorp
Classification: Uncertain significance. Last evaluated: 2023-02-16. Review status: criteria provided, single submitter. Criteria: Invitae Variant Classification Sherloc (09022015). Collection method: clinical testing. Allele origin: germline.
Comment: This variant is not present in population databases (gnomAD no frequency). This sequence change replaces valine, which is neutral and non-polar, with leucine, which is neutral and non-polar, at codon 602 of the PPM1D protein (p.Val602Leu). This variant has not been reported in the literature in individuals affected with PPM1D-related conditions. An algorithm developed to predict the effect of missense changes on protein structure and function (PolyPhen-2) suggests that this variant is likely to be tolerated. In summary, the available evidence is currently insufficient to determine the role of this variant in disease. Therefore, it has been classified as a Variant of Uncertain Significance.

NM_003620.4(PPM1D):c.1804G>C (p.Val602Leu)

Gene: PPM1D (protein phosphatase, Mg2+/Mn2+ dependent 1D; plus strand). Cytogenetic location: 17q23.2.
Variant type: single nucleotide variant.
Coding change: c.1804G>C on transcript NM_003620.4 (MANE Select); coding-DNA position 1804, G replaced by C.
Protein change: p.Val602Leu; replaces valine 602 with leucine.
Molecular consequence: missense variant.
Genome position (GRCh38, 1-based): chr17:60,663,538, G>C. VCF-style: chr17-60663538-G-C. GRCh37 (hg19) VCF-style: chr17-58740899-G-C.
Other names: short protein forms V602L.
Identifiers: ClinVar variation 2834889 (VCV002834889.3), dbSNP rs2031569895, ClinGen allele CA400459375.